The following is an entry in ClinVar:

NM_001256071.3(RNF213):c.8023C>G (p.His2675Asp)

Gene: RNF213 (ring finger protein 213; plus strand). Cytogenetic location: 17q25.3.
Variant type: single nucleotide variant.
Coding change: c.8023C>G on transcript NM_001256071.3 (MANE Select); coding-DNA position 8023, C replaced by G.
Protein change: p.His2675Asp; replaces histidine 2675 with aspartic acid.
Molecular consequence: missense variant.
Genome position (GRCh38, 1-based): chr17:80,346,358, C>G. VCF-style: chr17-80346358-C-G. GRCh37 (hg19) VCF-style: chr17-78320158-C-G.
Other names: c.8170C>G, p.His2724Asp (NM_001410195.1, NM_020914.5); short protein forms H2675D, H2724D.
Identifiers: ClinVar variation 3353515 (VCV003353515.1).

ClinVar aggregate classification (germline): Uncertain significance (0 of 4 stars; one submission).

Conditions:
RNF213-related disorder. Also called: RNF213-related condition.

gnomAD v4.1: 29 of 1,613,588 alleles (0.0018%); highest among the groups gnomAD compares: Non-Finnish European, 0.0024%; no homozygotes.

Submission:

PreventionGenetics, part of Exact Sciences
Classification: Uncertain significance for RNF213-related condition. Last evaluated: 2024-07-26. Review status: no assertion criteria provided. Collection method: clinical testing. Allele origin: germline.
Comment: The RNF213 c.8023C>G variant is predicted to result in the amino acid substitution p.His2675Asp. To our knowledge, this variant has not been reported in the literature. This variant is reported in 0.00088% of alleles in individuals of European (Non-Finnish) descent in gnomAD. At this time, the clinical significance of this variant is uncertain due to the absence of conclusive functional and genetic evidence.